The following is an entry in ClinVar:

ClinVar aggregate classification (germline): Likely pathogenic (1 of 4 stars; one submission).

Submissions (2):

Genetic Services Laboratory, University of Chicago
Classification: Likely pathogenic. Last evaluated: 2018-12-27. Review status: criteria provided, single submitter. Criteria: ACMG Guidelines, 2015. Collection method: clinical testing. Allele origin: germline. Affected: yes.
Comment: DNA sequence analysis of the KDM6A gene demonstrated a sequence change, c.3479G>T, that results in an amino acid change, p.Gly1160Val. The p.Gly1160Val change affects a highly conserved amino acid residue located in a domain of the KDM6A protein that is known to be functional. The p.Gly1160Val substitution appears to be deleterious using several in-silico pathogenicity prediction tools (SIFT, PolyPhen2, Align GVGD, REVEL). This particular amino acid change does not appear to have been described in the literature in other patients with KDM6A related disorders and is absent from population databases (gnomAD , ExAc). The c.3479G>T sequence change was found to be absent in both parents. " DNA sequence analysis of the KDM6A gene demonstrated a sequence change, c.3479G>T, in exon 24 that results in an amino acid change, p.Gly1160Val. The p.Gly1160Val change affects a highly conserved amino acid residue located in a domain of the KDM6A protein that is known to be functional. The p.Gly1160Val substitution appears to be deleterious using several in-silico pathogenicity prediction tools (SIFT, PolyPhen2, Align GVGD, REVEL). This particular amino acid change does not appear to have been described in the literature in other patients with KDM6A related disorders and is absent from population databases (gnomAD , ExAc).

Dr. Peter K. Rogan Lab, Western University
No classification provided (evidence only). Condition: Thyroid cancer, nonmedullary, 1. Review status: no classification provided. Collection method: in vitro. Allele origin: not applicable. Functional consequence: retained intron. Not counted in ClinVar's aggregate classification.

NM_001291415.2(KDM6A):c.3635G>T (p.Gly1212Val)

Gene: KDM6A (lysine demethylase 6A; plus strand). Cytogenetic location: Xp11.3.
Variant type: single nucleotide variant.
Coding change: c.3635G>T on transcript NM_001291415.2 (MANE Select); coding-DNA position 3635, G replaced by T.
Protein change: p.Gly1212Val; replaces glycine 1212 with valine.
Molecular consequence: missense variant. On other transcripts: non-coding transcript variant (1).
Genome position (GRCh38, 1-based): chrX:45,085,910, G>T. VCF-style: chrX-45085910-G-T. GRCh37 (hg19) VCF-style: chrX-44945155-G-T.
Other names: NC_000023.10:g.44945155G>T; c.3500G>T, p.Gly1167Val (NM_001291416.2); c.3344G>T, p.Gly1115Val (NM_001291417.2); c.3242G>T, p.Gly1081Val (NM_001291418.2); c.2591G>T, p.Gly864Val (NM_001291421.2); c.3479G>T, p.Gly1160Val (NM_021140.4); short protein forms G1081V, G1115V, G1160V, G1167V, G1212V, G864V.
Identifiers: ClinVar variation 1338470 (VCV001338470.5), dbSNP rs2148169289, ClinGen allele CA412805050.